The following is an entry in ClinVar:

ClinVar aggregate classification (germline): Uncertain significance (1 of 4 stars; one submission).

gnomAD v4.1: 6 of 1,614,164 alleles (0.00037%); highest among the groups gnomAD compares: Non-Finnish European, 0.00051%; no homozygotes.

Submission:

GeneDx
Classification: Uncertain significance. Last evaluated: 2026-03-27. Review status: criteria provided, single submitter. Criteria: GeneDx Variant Classification Process June 2021. Collection method: clinical testing. Allele origin: germline.
Comment: Not observed at significant frequency in large population cohorts (gnomAD); In silico analysis suggests that this missense variant does not alter protein structure/function; Has not been previously published as pathogenic or benign to our knowledge

NM_001904.4(CTNNB1):c.1720A>G (p.Thr574Ala)

Gene: CTNNB1 (catenin beta 1; plus strand). Cytogenetic location: 3p22.1.
Variant type: single nucleotide variant.
Coding change: c.1720A>G on transcript NM_001904.4 (MANE Select); coding-DNA position 1720, A replaced by G.
Protein change: p.Thr574Ala; replaces threonine 574 with alanine.
Molecular consequence: missense variant.
Genome position (GRCh38, 1-based): chr3:41,235,760, A>G. VCF-style: chr3-41235760-A-G. GRCh37 (hg19) VCF-style: chr3-41277251-A-G.
Other names: c.1720A>G, p.Thr574Ala (NM_001438872.1, NM_001438873.1, NM_001438874.1 and 4 more transcripts); c.1699A>G, p.Thr567Ala (NM_001330729.2); short protein forms T567A, T574A.
Identifiers: ClinVar variation 5017725 (VCV005017725.1).